The following is an entry in ClinVar:

NM_000465.4(BARD1):c.2076T>G (p.Ile692Met)

Gene: BARD1 (BRCA1 associated RING domain 1; minus strand). Cytogenetic location: 2q35.
Variant type: single nucleotide variant.
Coding change: c.2076T>G on transcript NM_000465.4 (MANE Select); coding-DNA position 2076, T replaced by G.
Protein change: p.Ile692Met; replaces isoleucine 692 with methionine.
Molecular consequence: missense variant. On other transcripts: non-coding transcript variant (3).
Genome position (GRCh38, 1-based): chr2:214,728,934, A>C on the plus strand (T>G on the coding strand, the complement: BARD1 is on the minus strand). VCF-style: chr2-214728934-A-C. GRCh37 (hg19) VCF-style: chr2-215593658-A-C.
Other names: c.537T>G, p.Ile179Met (NM_001282549.2); c.2019T>G, p.Ile673Met (NM_001282543.2); c.723T>G, p.Ile241Met (NM_001282545.2); c.666T>G, p.Ile222Met (NM_001282548.2); short protein forms I692M, I179M, I673M, I222M, I241M.
Identifiers: ClinVar variation 140845 (VCV000140845.5), dbSNP rs587781316, ClinGen allele CA163726.

ClinVar aggregate classification (germline): Uncertain significance (1 of 4 stars; one submission).

Conditions:
Hereditary cancer-predisposing syndrome. Also called: Neoplastic Syndromes, Hereditary; Tumor predisposition; Hereditary Cancer Syndrome; Hereditary neoplastic syndrome. Identifiers: Orphanet 140162, MedGen C0027672, MeSH D009386, MONDO:0015356.

Submission:

Ambry Genetics
Classification: Uncertain significance for Hereditary cancer-predisposing syndrome. Last evaluated: 2019-09-23. Review status: criteria provided, single submitter. Criteria: Ambry Variant Classification Scheme 2023. Collection method: clinical testing. Allele origin: germline.
Comment: The p.I692M variant (also known as c.2076T>G), located in coding exon 11 of the BARD1 gene, results from a T to G substitution at nucleotide position 2076. The isoleucine at codon 692 is replaced by methionine, an amino acid with highly similar properties. This amino acid position is not well conserved in available vertebrate species. In addition, this alteration is predicted to be tolerated by in silico analysis. Since supporting evidence is limited at this time, the clinical significance of this alteration remains unclear.